The following is an entry in ClinVar:

NM_005751.5(AKAP9):c.10724T>C (p.Val3575Ala)

Gene: AKAP9 (A-kinase anchoring protein 9; plus strand). Cytogenetic location: 7q21.2.
Variant type: single nucleotide variant.
Coding change: c.10724T>C on transcript NM_005751.5 (MANE Select); coding-DNA position 10724, T replaced by C.
Protein change: p.Val3575Ala; replaces valine 3575 with alanine.
Molecular consequence: missense variant.
Genome position (GRCh38, 1-based): chr7:92,099,697, T>C. VCF-style: chr7-92099697-T-C. GRCh37 (hg19) VCF-style: chr7-91729011-T-C.
Other names: c.5369T>C, p.Val1790Ala (NM_001379277.1); c.10700T>C, p.Val3567Ala (NM_147185.3); short protein forms V3575A, V3567A, V1790A.
Identifiers: ClinVar variation 1783766 (VCV001783766.7), dbSNP rs2535308509, ClinGen allele CA368158297.

ClinVar aggregate classification (germline): Uncertain significance. Review status: criteria provided, multiple submitters, no conflicts (2 of 4 stars). 2 submissions from 2 submitters: Uncertain significance (2). Last evaluated 2022-06-06.

Conditions:
Long QT syndrome (LQTS). Identifiers: MedGen C0023976, MeSH D008133, MONDO:0002442. Disease mechanism: loss of function. Inheritance: Various modes of inheritance.
Cardiovascular phenotype. Identifiers: MedGen CN230736.

gnomAD v4.1: 1 of 1,614,090 alleles (0.000062%); highest among the groups gnomAD compares: African/African-American, 0.0013%; no homozygotes.

Submissions (2):

Labcorp Genetics (formerly Invitae), Labcorp
Classification: Uncertain significance for Long QT syndrome. Last evaluated: 2022-06-06. Review status: criteria provided, single submitter. Criteria: Invitae Variant Classification Sherloc (09022015). Collection method: clinical testing. Allele origin: germline.
Comment: This sequence change replaces valine, which is neutral and non-polar, with alanine, which is neutral and non-polar, at codon 3575 of the AKAP9 protein (p.Val3575Ala). This variant is not present in population databases (gnomAD no frequency). This variant has not been reported in the literature in individuals affected with AKAP9-related conditions. Algorithms developed to predict the effect of missense changes on protein structure and function output the following: SIFT: "Tolerated"; PolyPhen-2: "Benign"; Align-GVGD: "Class C0". The alanine amino acid residue is found in multiple mammalian species, which suggests that this missense change does not adversely affect protein function. In summary, the available evidence is currently insufficient to determine the role of this variant in disease. Therefore, it has been classified as a Variant of Uncertain Significance.

Ambry Genetics
Classification: Uncertain significance for Cardiovascular phenotype. Last evaluated: 2019-05-20. Review status: criteria provided, single submitter. Criteria: Ambry Variant Classification Scheme 2023. Collection method: clinical testing. Allele origin: germline.
Comment: The p.V3575A variant (also known as c.10724T>C), located in coding exon 44 of the AKAP9 gene, results from a T to C substitution at nucleotide position 10724. The valine at codon 3575 is replaced by alanine, an amino acid with similar properties. This amino acid position is not well conserved in available vertebrate species, and alanine is the reference amino acid in other vertebrate species. In addition, this alteration is predicted to be tolerated by in silico analysis. Since supporting evidence is limited at this time, the clinical significance of this alteration remains unclear.